The following is an entry in ClinVar:

ClinVar aggregate classification (germline): Uncertain significance. Review status: criteria provided, multiple submitters, no conflicts (2 of 4 stars). 4 submissions from 4 submitters: Uncertain significance (4). Last evaluated 2023-06-02.

Conditions:
Hereditary spastic paraplegia 47. Also called: adaptor protein 4 (AP-4) deficiency syndrome; Spastic paraplegia 47, autosomal recessive; CEREBRAL PALSY, SPASTIC QUADRIPLEGIC, 5. Identifiers: Orphanet 280763, MedGen C3279738, MONDO:0013551, OMIM 614066.
Inborn genetic diseases. Identifiers: MedGen C0950123, MeSH D030342.

Allele frequency attached by ClinVar (database versions not stated): gnomAD exomes 0.00002 and 0.00008; gnomAD 0.00004; TOPMed 0.00007; ExAC 0.00010; 1000 Genomes Project 30x 0.00016; 1000 Genomes Project 0.00020.
gnomAD v4.1: 44 of 1,614,236 alleles (0.0027%); highest among the groups gnomAD compares: East Asian, 0.078%; no homozygotes.

Submissions (4):

Ambry Genetics
Classification: Uncertain significance for Inborn genetic diseases. Last evaluated: 2023-06-02. Review status: criteria provided, single submitter. Criteria: Ambry Variant Classification Scheme 2023. Collection method: clinical testing. Allele origin: germline.

Genome-Nilou Lab
Classification: Uncertain significance for Hereditary spastic paraplegia 47. Last evaluated: 2023-04-11. Review status: criteria provided, single submitter. Criteria: ACMG Guidelines, 2015. Collection method: clinical testing. Allele origin: germline. Affected: no.

Labcorp Genetics (formerly Invitae), Labcorp
Classification: Uncertain significance for Hereditary spastic paraplegia 47. Last evaluated: 2022-03-22. Review status: criteria provided, single submitter. Criteria: Invitae Variant Classification Sherloc (09022015). Collection method: clinical testing. Allele origin: germline.
Comment: In summary, the available evidence is currently insufficient to determine the role of this variant in disease. Therefore, it has been classified as a Variant of Uncertain Significance. Algorithms developed to predict the effect of missense changes on protein structure and function are either unavailable or do not agree on the potential impact of this missense change (SIFT: "Deleterious"; PolyPhen-2: "Probably Damaging"; Align-GVGD: "Class C0"). ClinVar contains an entry for this variant (Variation ID: 434224). This variant has not been reported in the literature in individuals affected with AP4B1-related conditions. This variant is present in population databases (rs569988158, gnomAD 0.1%). This sequence change replaces leucine, which is neutral and non-polar, with proline, which is neutral and non-polar, at codon 620 of the AP4B1 protein (p.Leu620Pro).

Genetic Services Laboratory, University of Chicago
Classification: Uncertain significance. Last evaluated: 2017-01-29. Review status: criteria provided, single submitter. Criteria: ACMG Guidelines, 2015. Collection method: clinical testing. Allele origin: germline. Affected: no.

NM_001253852.3(AP4B1):c.1859T>C (p.Leu620Pro)

Genes: AP4B1 (adaptor related protein complex 4 subunit beta 1; minus strand), AP4B1-AS1 (AP4B1 antisense RNA 1; plus strand). Cytogenetic location: 1p13.2.
Variant type: single nucleotide variant.
Coding change: c.1859T>C on transcript NM_001253852.3 (MANE Select); coding-DNA position 1859, T replaced by C.
Protein change: p.Leu620Pro; replaces leucine 620 with proline.
Molecular consequence: missense variant.
Genome position (GRCh38, 1-based): chr1:113,895,426, A>G on the plus strand (T>C on the coding strand, the complement: AP4B1 is on the minus strand). VCF-style: chr1-113895426-A-G. GRCh37 (hg19) VCF-style: chr1-114438048-A-G.
Other names: c.1562T>C, p.Leu521Pro (NM_001253853.3); c.1355T>C, p.Leu452Pro (NM_001308312.2); c.1859T>C, p.Leu620Pro (NM_006594.5); c.1859T>C (NM_006594.2); short protein forms L620P, L521P, L452P.
Identifiers: ClinVar variation 434224 (VCV000434224.12), dbSNP rs569988158, ClinGen allele CA1015684.